The following is an entry in ClinVar:

ClinVar aggregate classification (germline): Uncertain significance. Review status: criteria provided, multiple submitters, no conflicts (2 of 4 stars). 2 submissions from 2 submitters: Uncertain significance (2). Last evaluated 2024-08-03.

Conditions:
Cardiovascular phenotype. Identifiers: MedGen CN230736.
Noonan syndrome 9 (NS9). Identifiers: Orphanet 648, MedGen C4225282, MONDO:0014691, OMIM 616559.

Allele frequency attached by ClinVar (database versions not stated): ExAC 0.00001; gnomAD 0.00001; gnomAD exomes 0.00001; TOPMed 0.00001.
gnomAD v4.1: 14 of 1,344,268 alleles (0.001%); highest among the groups gnomAD compares: South Asian, 0.0025%; no homozygotes.

Submissions (2):

Ambry Genetics
Classification: Uncertain significance for Cardiovascular phenotype. Last evaluated: 2024-08-03. Review status: criteria provided, single submitter. Criteria: Ambry Variant Classification Scheme 2023. Collection method: clinical testing. Allele origin: germline.
Comment: The p.G950E variant (also known as c.2849G>A), located in coding exon 18 of the SOS2 gene, results from a G to A substitution at nucleotide position 2849. The glycine at codon 950 is replaced by glutamic acid, an amino acid with similar properties. This amino acid position is conserved. In addition, the in silico prediction for this alteration is inconclusive. Based on the available evidence, the clinical significance of this variant remains unclear.

Labcorp Genetics (formerly Invitae), Labcorp
Classification: Uncertain significance for Noonan syndrome 9. Last evaluated: 2024-05-13. Review status: criteria provided, single submitter. Criteria: Invitae Variant Classification Sherloc (09022015). Collection method: clinical testing. Allele origin: germline.
Comment: This sequence change replaces glycine, which is neutral and non-polar, with glutamic acid, which is acidic and polar, at codon 950 of the SOS2 protein (p.Gly950Glu). This variant is present in population databases (rs765330931, gnomAD 0.004%). This variant has not been reported in the literature in individuals affected with SOS2-related conditions. ClinVar contains an entry for this variant (Variation ID: 946455). Advanced modeling of protein sequence and biophysical properties (such as structural, functional, and spatial information, amino acid conservation, physicochemical variation, residue mobility, and thermodynamic stability) performed at Invitae indicates that this missense variant is not expected to disrupt SOS2 protein function with a negative predictive value of 80%. In summary, the available evidence is currently insufficient to determine the role of this variant in disease. Therefore, it has been classified as a Variant of Uncertain Significance.

NM_006939.4(SOS2):c.2849G>A (p.Gly950Glu)

Gene: SOS2 (SOS Ras/Rho guanine nucleotide exchange factor 2; minus strand). Cytogenetic location: 14q21.3.
Variant type: single nucleotide variant.
Coding change: c.2849G>A on transcript NM_006939.4 (MANE Select); coding-DNA position 2849, G replaced by A.
Protein change: p.Gly950Glu; replaces glycine 950 with glutamic acid.
Molecular consequence: missense variant.
Genome position (GRCh38, 1-based): chr14:50,138,721, C>T on the plus strand (G>A on the coding strand, the complement: SOS2 is on the minus strand). VCF-style: chr14-50138721-C-T. GRCh37 (hg19) VCF-style: chr14-50605439-C-T.
Other names: short protein forms G950E.
Identifiers: ClinVar variation 946455 (VCV000946455.4), dbSNP rs765330931, ClinGen allele CA7176925.
Genomic context (GRCh38, chr14:50,138,721, plus strand): 5'-TGAATTTCTCCAGTAATTTCAGCTACTTTCCTCCTCTTACTGAAATTGATTAAATCTTTC[C>T]CTTTCTTTTTTAAAAAATCATTATTCCCTTCTTCGGTCTTCAGAATATTTGTTAAATATA-3'
Protein context (NP_008870.2, residues 940-960): EGNNDFLKKK[Gly950Glu]KDLINFSKRR